The following is an entry in ClinVar:

ClinVar aggregate classification (germline): Uncertain significance (1 of 4 stars; one submission).

Conditions:
Intellectual developmental disorder, X-linked, syndromic, Claes-Jensen type. Also called: Syndromic X-linked intellectual disability Claes-Jensen type; INTELLECTUAL DEVELOPMENTAL DISORDER, X-LINKED, SYNDROMIC 16; MENTAL RETARDATION, X-LINKED, SYNDROMIC 16. Identifiers: Orphanet 85279, MedGen C1845243, MONDO:0010355, OMIM 300534.

Submission:

Clinical Genomics Laboratory, Washington University in St. Louis
Classification: Uncertain significance for Intellectual developmental disorder, X-linked, syndromic, Claes-Jensen type. Last evaluated: 2025-08-06. Review status: criteria provided, single submitter. Criteria: ACMG Guidelines, 2015. Collection method: clinical testing. Allele origin: germline.
Comment: The KDM5C c.1147T>C (p.Phe383Leu) variant, to our knowledge, has not been reported in the medical literature. This variant is absent from the general population (gnomAD v2.1.1), indicating it is not a common variant. Computational predictors suggest that the variant is damaging, providing evidence that correlates with its impact on KDM5C function. Due to limited information, and based on ACMG/AMP guidelines for variant interpretation (Richards S et al., PMID: 25741868), the clinical significance of this variant is uncertain at this time.

NM_004187.5(KDM5C):c.1147T>C (p.Phe383Leu)

Gene: KDM5C (lysine demethylase 5C; minus strand). Cytogenetic location: Xp11.22.
Variant type: single nucleotide variant.
Coding change: c.1147T>C on transcript NM_004187.5 (MANE Select); coding-DNA position 1147, T replaced by C.
Protein change: p.Phe383Leu; replaces phenylalanine 383 with leucine.
Molecular consequence: missense variant. On other transcripts: non-coding transcript variant (3).
Genome position (GRCh38, 1-based): chrX:53,211,882, A>G on the plus strand (T>C on the coding strand, the complement: KDM5C is on the minus strand). VCF-style: chrX-53211882-A-G. GRCh37 (hg19) VCF-style: chrX-53241064-A-G.
Other names: c.1144T>C, p.Phe382Leu (NM_001353979.2, NM_001353982.2, NM_001282622.3); c.1147T>C, p.Phe383Leu (NM_001353981.2, NM_001353984.2, NM_001353978.3); c.946T>C, p.Phe316Leu (NM_001146702.2); short protein forms F316L, F382L, F383L.
Identifiers: ClinVar variation 4279882 (VCV004279882.1).